The following is an entry in ClinVar:

ClinVar aggregate classification (germline): Likely pathogenic (1 of 4 stars; one submission).

Conditions:
Aniridia 1 (AN1). Identifiers: Orphanet 250923, MedGen C0344542, MONDO:0024507, OMIM 106210.
Irido-corneo-trabecular dysgenesis (ASGD5). Also called: ANTERIOR SEGMENT DYSGENESIS 5. Identifiers: Orphanet 708, MedGen C0344559, MONDO:0011414, OMIM 604229, HP:0000659.

Submission:

Labcorp Genetics (formerly Invitae), Labcorp
Classification: Likely pathogenic for Aniridia 1; Irido-corneo-trabecular dysgenesis. Last evaluated: 2018-07-17. Review status: criteria provided, single submitter. Criteria: Invitae Variant Classification Sherloc (09022015). Collection method: clinical testing. Allele origin: germline.
Comment: This variant is a gross deletion of the genomic region encompassing exons 12-13 of the PAX6 gene. The 5' boundary is likely confined to intron 11. The 3' end of this event is unknown as it extends through the termination codon beyond the assayed region for this gene and may encompass additional genes. While this deletion is not anticipated to result in nonsense mediated decay, it is expected to create a truncated protein product or disrupt mRNA translation. In summary, the currently available evidence indicates that the variant is pathogenic, but additional data are needed to prove that conclusively. Therefore, this variant has been classified as Likely Pathogenic.

NC_000011.10:g.(?_31789914)_(31790880_?)del

Genes: PAX6 (paired box 6; minus strand), ELP4 (elongator acetyltransferase complex subunit 4; plus strand). Cytogenetic location: 11p13.
Variant type: Deletion.
Identifiers: ClinVar variation 529894 (VCV000529894.2).